The following is an entry in ClinVar:

NM_033026.6(PCLO):c.4568C>T (p.Pro1523Leu)

Gene: PCLO (piccolo presynaptic cytomatrix protein; minus strand). Cytogenetic location: 7q21.11.
Variant type: single nucleotide variant.
Coding change: c.4568C>T on transcript NM_033026.6 (MANE Select); coding-DNA position 4568, C replaced by T.
Protein change: p.Pro1523Leu; replaces proline 1523 with leucine.
Molecular consequence: missense variant.
Genome position (GRCh38, 1-based): chr7:82,956,385, G>A on the plus strand (C>T on the coding strand, the complement: PCLO is on the minus strand). VCF-style: chr7-82956385-G-A. GRCh37 (hg19) VCF-style: chr7-82585701-G-A.
Other names: c.4568C>T, p.Pro1523Leu (NM_014510.3); c.4568C>T (NM_033026.5); short protein forms P1523L.
Identifiers: ClinVar variation 1410774 (VCV001410774.6), dbSNP rs200200318, ClinGen allele CA4320803.

ClinVar aggregate classification (germline): Uncertain significance. Review status: criteria provided, multiple submitters, no conflicts (2 of 4 stars). 3 submissions from 3 submitters: Uncertain significance (3). Last evaluated 2026-04-17.

Conditions:
Inborn genetic diseases. Identifiers: MedGen C0950123, MeSH D030342.

Allele frequency attached by ClinVar (database versions not stated): ExAC 0.00005; TOPMed 0.00006; gnomAD 0.00007 and 0.00006; gnomAD exomes 0.00005; ESP Exome Variant Server 0.00008.
gnomAD v4.1: 92 of 1,613,336 alleles (0.0057%); highest among the groups gnomAD compares: Non-Finnish European, 0.0072%; no homozygotes.

Submissions (3):

GeneDx
Classification: Uncertain significance. Last evaluated: 2026-04-17. Review status: criteria provided, single submitter. Criteria: GeneDx Variant Classification Process June 2021. Collection method: clinical testing. Allele origin: germline.
Comment: In silico analysis supports that this missense variant has a deleterious effect on protein structure/function; Has not been previously published as pathogenic or benign to our knowledge

Ambry Genetics
Classification: Uncertain significance for Inborn genetic diseases. Last evaluated: 2025-08-22. Review status: criteria provided, single submitter. Criteria: Ambry Variant Classification Scheme 2023. Collection method: clinical testing. Allele origin: germline.

Labcorp Genetics (formerly Invitae), Labcorp
Classification: Uncertain significance. Last evaluated: 2022-06-19. Review status: criteria provided, single submitter. Criteria: Invitae Variant Classification Sherloc (09022015). Collection method: clinical testing. Allele origin: germline.
Comment: This sequence change replaces proline, which is neutral and non-polar, with leucine, which is neutral and non-polar, at codon 1523 of the PCLO protein (p.Pro1523Leu). This variant is present in population databases (rs200200318, gnomAD 0.01%). This variant has not been reported in the literature in individuals affected with PCLO-related conditions. Algorithms developed to predict the effect of missense changes on protein structure and function are either unavailable or do not agree on the potential impact of this missense change (SIFT: "Deleterious"; PolyPhen-2: "Not Available"; Align-GVGD: "Class C0"). In summary, the available evidence is currently insufficient to determine the role of this variant in disease. Therefore, it has been classified as a Variant of Uncertain Significance.